The following is an entry in ClinVar:

ClinVar aggregate classification (germline): Uncertain significance (1 of 4 stars; one submission).

gnomAD v4.1: 27 of 1,613,942 alleles (0.0017%); highest among the groups gnomAD compares: Non-Finnish European, 0.0022%; no homozygotes.

Submission:

GeneDx
Classification: Uncertain significance. Last evaluated: 2025-01-23. Review status: criteria provided, single submitter. Criteria: GeneDx Variant Classification Process June 2021. Collection method: clinical testing. Allele origin: germline. Affected: yes.
Comment: In silico analysis indicates that this missense variant does not alter protein structure/function; Has not been previously published as pathogenic or benign to our knowledge

NM_000342.4(SLC4A1):c.764C>T (p.Ala255Val)

Gene: SLC4A1 (solute carrier family 4 member 1 (Diego blood group); minus strand). Cytogenetic location: 17q21.31.
Variant type: single nucleotide variant.
Coding change: c.764C>T on transcript NM_000342.4 (MANE Select); coding-DNA position 764, C replaced by T.
Protein change: p.Ala255Val; replaces alanine 255 with valine.
Molecular consequence: missense variant.
Genome position (GRCh38, 1-based): chr17:44,259,275, G>A on the plus strand (C>T on the coding strand, the complement: SLC4A1 is on the minus strand). VCF-style: chr17-44259275-G-A. GRCh37 (hg19) VCF-style: chr17-42336643-G-A.
Other names: short protein forms A255V.
Identifiers: ClinVar variation 4071860 (VCV004071860.1).